The following is an entry in ClinVar:

ClinVar aggregate classification (germline): Conflicting classifications of pathogenicity. Review status: criteria provided, conflicting classifications (1 of 4 stars). 2 submissions from 2 submitters: Uncertain significance (1); Likely benign (1). Last evaluated 2023-03-04.

Conditions:
Epidermolysis bullosa simplex 5C, with pyloric atresia (EBS5C). Also called: PLEC-Related Epidermolysis Bullosa with Pyloric Atresia; Epidermolysis bullosa simplex with pyloric atresia; PLEC1-Related Epidermolysis Bullosa with Pyloric Atresia. Identifiers: Orphanet 158684, MedGen C2677349, MONDO:0012807, OMIM 612138.
Autosomal recessive limb-girdle muscular dystrophy type 2Q (LGMDR17). Also called: MUSCULAR DYSTROPHY, LIMB-GIRDLE, AUTOSOMAL RECESSIVE 17. Identifiers: Orphanet 254361, MedGen C3150989, MONDO:0013390, OMIM 613723.
Epidermolysis bullosa simplex 5B, with muscular dystrophy (EBS5B). Also called: Epidermolysis bullosa simplex with muscular dystrophy; EPIDERMOLYSIS BULLOSA SIMPLEX AND LIMB-GIRDLE MUSCULAR DYSTROPHY. Identifiers: Orphanet 257, MedGen C2931072, MONDO:0009181, OMIM 226670.
Epidermolysis bullosa simplex, Ogna type (EBS5A). Also called: Pidermolysis bullosa simplex 5A, Ogna type; EPIDERMOLYSIS BULLOSA SIMPLEX 5A, OGNA TYPE. Identifiers: Orphanet 79401, MedGen C0432317, MONDO:0007555, OMIM 131950.
Epidermolysis bullosa simplex with nail dystrophy (EBS5D). Identifiers: MedGen C4225309, MONDO:0014661, OMIM 616487.

Allele frequency attached by ClinVar (database versions not stated): gnomAD 0.00001; gnomAD exomes 0.00001; ExAC 0.00002; TOPMed 0.00002.

Submissions (2):

Labcorp Genetics (formerly Invitae), Labcorp
Classification: Uncertain significance for Autosomal recessive limb-girdle muscular dystrophy type 2Q; Epidermolysis bullosa simplex, Ogna type; Epidermolysis bullosa simplex with nail dystrophy; Epidermolysis bullosa simplex 5C, with pyloric atresia; Epidermolysis bullosa simplex 5B, with muscular dystrophy. Last evaluated: 2023-03-04. Review status: criteria provided, single submitter. Criteria: Invitae Variant Classification Sherloc (09022015). Collection method: clinical testing. Allele origin: germline.
Comment: This sequence change replaces alanine, which is neutral and non-polar, with threonine, which is neutral and polar, at codon 3098 of the PLEC protein (p.Ala3098Thr). This variant is present in population databases (rs782624968, gnomAD 0.003%). This variant has not been reported in the literature in individuals affected with PLEC-related conditions. ClinVar contains an entry for this variant (Variation ID: 514824). Algorithms developed to predict the effect of missense changes on protein structure and function output the following: SIFT: "Not Available"; PolyPhen-2: "Benign"; Align-GVGD: "Not Available". The threonine amino acid residue is found in multiple mammalian species, which suggests that this missense change does not adversely affect protein function. In summary, the available evidence is currently insufficient to determine the role of this variant in disease. Therefore, it has been classified as a Variant of Uncertain Significance.

GeneDx
Classification: Likely benign. Last evaluated: 2018-01-23. Review status: criteria provided, single submitter. Criteria: GeneDx Variant Classification (06012015). Collection method: clinical testing. Allele origin: germline. Affected: yes.
Comment: This variant is considered likely benign or benign based on one or more of the following criteria: it is a conservative change, it occurs at a poorly conserved position in the protein, it is predicted to be benign by multiple in silico algorithms, and/or has population frequency not consistent with disease.

NM_201384.3(PLEC):c.9211G>A (p.Ala3071Thr)

Gene: PLEC (plectin; minus strand). Cytogenetic location: 8q24.3.
Variant type: single nucleotide variant.
Coding change: c.9211G>A on transcript NM_201384.3 (MANE Select); coding-DNA position 9211, G replaced by A.
Protein change: p.Ala3071Thr; replaces alanine 3071 with threonine.
Molecular consequence: missense variant.
Genome position (GRCh38, 1-based): chr8:143,920,610, C>T on the plus strand (G>A on the coding strand, the complement: PLEC is on the minus strand). VCF-style: chr8-143920610-C-T. GRCh37 (hg19) VCF-style: chr8-144994778-C-T.
Other names: c.9292G>A, p.Ala3098Thr (NM_000445.5); c.9169G>A, p.Ala3057Thr (NM_201378.4); c.9145G>A, p.Ala3049Thr (NM_201379.3); c.9622G>A, p.Ala3208Thr (NM_201380.4); c.9115G>A, p.Ala3039Thr (NM_201381.3); c.9211G>A, p.Ala3071Thr (NM_201382.4); c.9223G>A, p.Ala3075Thr (NM_201383.3); short protein forms A3039T, A3049T, A3057T, A3071T, A3075T, A3098T, A3208T.
Identifiers: ClinVar variation 514824 (VCV000514824.7), dbSNP rs782624968, ClinGen allele CA4925036.